The following is an entry in ClinVar:

ClinVar aggregate classification (germline): Uncertain significance (1 of 4 stars; one submission).

Submission:

Labcorp Genetics (formerly Invitae), Labcorp
Classification: Uncertain significance. Last evaluated: 2025-12-15. Review status: criteria provided, single submitter. Criteria: Invitae Variant Classification Sherloc (09022015). Collection method: clinical testing. Allele origin: germline.
Comment: This sequence change replaces threonine, which is neutral and polar, with alanine, which is neutral and non-polar, at codon 550 of the TAF6 protein (p.Thr550Ala). This variant is not present in population databases (gnomAD no frequency). This variant has not been reported in the literature in individuals affected with TAF6-related conditions. Invitae Evidence Modeling of protein sequence and biophysical properties (such as structural, functional, and spatial information, amino acid conservation, physicochemical variation, residue mobility, and thermodynamic stability) indicates that this missense variant is not expected to disrupt TAF6 protein function with a negative predictive value of 80%. In summary, the available evidence is currently insufficient to determine the role of this variant in disease. Therefore, it has been classified as a Variant of Uncertain Significance.

NM_139315.3(TAF6):c.1648A>G (p.Thr550Ala)

Genes: AP4M1 (adaptor related protein complex 4 subunit mu 1; plus strand), TAF6 (TATA-box binding protein associated factor 6; minus strand). Cytogenetic location: 7q22.1.
Variant type: single nucleotide variant.
Coding change: c.1648A>G on transcript NM_139315.3 (MANE Select); coding-DNA position 1648, A replaced by G.
Protein change: p.Thr550Ala; replaces threonine 550 with alanine.
Molecular consequence: missense variant. On other transcripts: non-coding transcript variant (2), 3 prime UTR variant (11).
Genome position (GRCh38, 1-based): chr7:100,107,934, T>C on the plus strand (A>G on the coding strand, the complement: TAF6 is on the minus strand). VCF-style: chr7-100107934-T-C. GRCh37 (hg19) VCF-style: chr7-99705557-T-C.
Other names: c.1759A>G, p.Thr587Ala (NM_001190415.2); c.1648A>G, p.Thr550Ala (NM_001364998.1, NM_001364999.1, NM_005641.4); c.1618A>G, p.Thr540Ala (NM_001365000.1, NM_001365001.1, NM_001365002.1 and 1 more transcripts); c.1786A>G, p.Thr596Ala (NM_001365004.1); c.*1052T>C (NM_001363671.2, NM_001438824.1, NM_001438825.1 and 8 more transcripts); short protein forms T540A, T596A, T550A, T587A.
Identifiers: ClinVar variation 4743474 (VCV004743474.1).